The following is an entry in ClinVar:

ClinVar aggregate classification (germline): Uncertain significance (1 of 4 stars; one submission).

Conditions:
Distal myopathy with posterior leg and anterior hand involvement. Also called: WILLIAMS DISTAL MYOPATHY. Identifiers: Orphanet 63273, MedGen C3279722, MONDO:0013550, OMIM 614065.
Hypertrophic cardiomyopathy 26. Also called: Cardiomyopathy, familial hypertrophic, 26. Identifiers: Orphanet 75249, MedGen C4310749, MONDO:0014883, OMIM 617047.
Myofibrillar myopathy 5. Also called: Filaminopathy (type); FILAMINOPATHY, AUTOSOMAL DOMINANT. Identifiers: Orphanet 171445, MedGen C1836050, MONDO:0012289, OMIM 609524.

Submission:

Labcorp Genetics (formerly Invitae), Labcorp
Classification: Uncertain significance for Distal myopathy with posterior leg and anterior hand involvement; Myofibrillar myopathy 5; Hypertrophic cardiomyopathy 26. Last evaluated: 2024-09-27. Review status: criteria provided, single submitter. Criteria: Invitae Variant Classification Sherloc (09022015). Collection method: clinical testing. Allele origin: germline.
Comment: This sequence change replaces phenylalanine, which is neutral and non-polar, with tyrosine, which is neutral and polar, at codon 1626 of the FLNC protein (p.Phe1626Tyr). This variant is not present in population databases (gnomAD no frequency). This variant has not been reported in the literature in individuals affected with FLNC-related conditions. Invitae Evidence Modeling of protein sequence and biophysical properties (such as structural, functional, and spatial information, amino acid conservation, physicochemical variation, residue mobility, and thermodynamic stability) has been performed for this missense variant. However, the output from this modeling did not meet the statistical confidence thresholds required to predict the impact of this variant on FLNC protein function. In summary, the available evidence is currently insufficient to determine the role of this variant in disease. Therefore, it has been classified as a Variant of Uncertain Significance.

NM_001458.5(FLNC):c.4877T>A (p.Phe1626Tyr)

Gene: FLNC (filamin C; plus strand). Cytogenetic location: 7q32.1.
Variant type: single nucleotide variant.
Coding change: c.4877T>A on transcript NM_001458.5 (MANE Select); coding-DNA position 4877, T replaced by A.
Protein change: p.Phe1626Tyr; replaces phenylalanine 1626 with tyrosine.
Molecular consequence: missense variant.
Genome position (GRCh38, 1-based): chr7:128,848,932, T>A. VCF-style: chr7-128848932-T-A. GRCh37 (hg19) VCF-style: chr7-128488986-T-A.
Other names: c.4877T>A, p.Phe1626Tyr (NM_001127487.2); short protein forms F1626Y.
Identifiers: ClinVar variation 3758963 (VCV003758963.2).